The following is an entry in ClinVar:

NM_004526.4(MCM2):c.944G>A (p.Cys315Tyr)

Gene: MCM2 (minichromosome maintenance complex component 2; plus strand). Cytogenetic location: 3q21.3.
Variant type: single nucleotide variant.
Coding change: c.944G>A on transcript NM_004526.4 (MANE Select); coding-DNA position 944, G replaced by A.
Protein change: p.Cys315Tyr; replaces cysteine 315 with tyrosine.
Molecular consequence: missense variant. On other transcripts: non-coding transcript variant (1).
Genome position (GRCh38, 1-based): chr3:127,606,660, G>A. VCF-style: chr3-127606660-G-A. GRCh37 (hg19) VCF-style: chr3-127325503-G-A.
Other names: short protein forms C315Y.
Identifiers: ClinVar variation 3719424 (VCV003719424.2).

ClinVar aggregate classification (germline): Uncertain significance (1 of 4 stars; one submission).

Submission:

Labcorp Genetics (formerly Invitae), Labcorp
Classification: Uncertain significance. Last evaluated: 2024-09-17. Review status: criteria provided, single submitter. Criteria: Invitae Variant Classification Sherloc (09022015). Collection method: clinical testing. Allele origin: germline.
Comment: This sequence change replaces cysteine, which is neutral and slightly polar, with tyrosine, which is neutral and polar, at codon 315 of the MCM2 protein (p.Cys315Tyr). This variant is not present in population databases (gnomAD no frequency). This variant has not been reported in the literature in individuals affected with MCM2-related conditions. Invitae Evidence Modeling of protein sequence and biophysical properties (such as structural, functional, and spatial information, amino acid conservation, physicochemical variation, residue mobility, and thermodynamic stability) indicates that this missense variant is not expected to disrupt MCM2 protein function with a negative predictive value of 80%. In summary, the available evidence is currently insufficient to determine the role of this variant in disease. Therefore, it has been classified as a Variant of Uncertain Significance.